The following is an entry in ClinVar:

NM_030957.4(ADAMTS10):c.677G>A (p.Arg226His)

Gene: ADAMTS10 (ADAM metallopeptidase with thrombospondin type 1 motif 10; minus strand). Cytogenetic location: 19p13.2.
Variant type: single nucleotide variant.
Coding change: c.677G>A on transcript NM_030957.4 (MANE Select); coding-DNA position 677, G replaced by A.
Protein change: p.Arg226His; replaces arginine 226 with histidine.
Molecular consequence: missense variant.
Genome position (GRCh38, 1-based): chr19:8,601,061, C>T on the plus strand (G>A on the coding strand, the complement: ADAMTS10 is on the minus strand). VCF-style: chr19-8601061-C-T. GRCh37 (hg19) VCF-style: chr19-8665945-C-T.
Other names: c.677G>A (NM_030957.2); short protein forms R226H.
Identifiers: ClinVar variation 1448012 (VCV001448012.4), dbSNP rs144419462, ClinGen allele CA9160752.
Genomic context (GRCh38, chr19:8,601,061, plus strand): 5'-ACCACCAGGGTCTCCACGTAGCGCTCTCGGCTGACCGATCGCTTCAGGCCTGGCTGGCCA[C>T]GCTCTGTTTCATTCCCCAGGGGCCTGGCAGGCGGTGGCTTCAAGGTCCGCAGCCACCATG-3'
Protein context (NP_112219.3, residues 216-236): PARPLGNETE[Arg226His]GQPGLKRSVS

ClinVar aggregate classification (germline): Uncertain significance. Review status: criteria provided, multiple submitters, no conflicts (2 of 4 stars). 2 submissions from 2 submitters: Uncertain significance (2). Last evaluated 2024-06-07.

Conditions:
Inborn genetic diseases. Identifiers: MedGen C0950123, MeSH D030342.

Allele frequency attached by ClinVar (database versions not stated): ExAC 0.00002; gnomAD exomes 0.00004; TOPMed 0.00004; gnomAD 0.00007; ESP Exome Variant Server 0.00023.
gnomAD v4.1: 74 of 1,614,030 alleles (0.0046%); highest among the groups gnomAD compares: African/African-American, 0.0067%; no homozygotes.

Submissions (2):

Ambry Genetics
Classification: Uncertain significance for Inborn genetic diseases. Last evaluated: 2024-06-07. Review status: criteria provided, single submitter. Criteria: Ambry Variant Classification Scheme 2023. Collection method: clinical testing. Allele origin: germline.

Labcorp Genetics (formerly Invitae), Labcorp
Classification: Uncertain significance. Last evaluated: 2022-09-25. Review status: criteria provided, single submitter. Criteria: Invitae Variant Classification Sherloc (09022015). Collection method: clinical testing. Allele origin: germline.
Comment: This sequence change replaces arginine, which is basic and polar, with histidine, which is basic and polar, at codon 226 of the ADAMTS10 protein (p.Arg226His). This variant is present in population databases (rs144419462, gnomAD 0.009%). This variant has not been reported in the literature in individuals affected with ADAMTS10-related conditions. ClinVar contains an entry for this variant (Variation ID: 1448012). Algorithms developed to predict the effect of missense changes on protein structure and function are either unavailable or do not agree on the potential impact of this missense change (SIFT: "Deleterious"; PolyPhen-2: "Benign"; Align-GVGD: "Class C0"). In summary, the available evidence is currently insufficient to determine the role of this variant in disease. Therefore, it has been classified as a Variant of Uncertain Significance.